The following is an entry in ClinVar:

ClinVar aggregate classification (germline): Likely pathogenic. Review status: criteria provided, single submitter (1 of 4 stars). 2 submissions from 2 submitters: Likely pathogenic (1). 1 of the submissions does not count toward it. Last evaluated 2023-08-28.

Conditions:
Intellectual developmental disorder, autosomal dominant 41. Also called: Intellectual disability, autosomal dominant 41. Identifiers: Orphanet 2823, MedGen C4310784, MONDO:0014842, OMIM 616944.

Submissions (2):

GeneDx
Classification: Likely pathogenic. Last evaluated: 2023-08-28. Review status: criteria provided, single submitter. Criteria: GeneDx Variant Classification Process June 2021. Collection method: clinical testing. Allele origin: germline. Affected: yes.
Comment: Not observed at significant frequency in large population cohorts (gnomAD); In silico analysis supports that this missense variant has a deleterious effect on protein structure/function; This variant is associated with the following publications: (PMID: 35165208, 33708771, 25102098, 26069883, 26740553, 28588275, 30365874, 26769062, 32034290, 28687524, 26482601, 32449767, 31394400, 33527360, 35611576, 33490948)

OMIM
Classification: Pathogenic for INTELLECTUAL DEVELOPMENTAL DISORDER, AUTOSOMAL DOMINANT 41. Last evaluated: 2014-10-01. Review status: no assertion criteria provided. Collection method: literature only. Allele origin: germline. Not counted in ClinVar's aggregate classification.

Literature cited by the submitters: PubMed 25102098 (cited by OMIM).

NM_024665.7(TBL1XR1):c.209G>A (p.Gly70Asp)

Gene: TBL1XR1 (TBL1X/Y related 1; minus strand). Cytogenetic location: 3q26.32.
Variant type: single nucleotide variant.
Coding change: c.209G>A on transcript NM_024665.7 (MANE Select); coding-DNA position 209, G replaced by A.
Protein change: p.Gly70Asp; replaces glycine 70 with aspartic acid.
Molecular consequence: missense variant. On other transcripts: 5 prime UTR variant (2).
Genome position (GRCh38, 1-based): chr3:177,051,722, C>T on the plus strand (G>A on the coding strand, the complement: TBL1XR1 is on the minus strand). VCF-style: chr3-177051722-C-T. GRCh37 (hg19) VCF-style: chr3-176769510-C-T.
Other names: c.209G>A, p.Gly70Asp (NM_001321193.3, NM_001321194.3, NM_001374327.1 and 2 more transcripts); c.-53G>A (NM_001321195.3, NM_001374330.1); short protein forms G70D.
Identifiers: ClinVar variation 191371 (VCV000191371.3), dbSNP rs786205859, ClinGen allele CA236468.